The following is an entry in ClinVar:

ClinVar aggregate classification (germline): Uncertain significance (1 of 4 stars; one submission).

gnomAD v4.1: 2 of 1,614,204 alleles (0.00012%); highest among the groups gnomAD compares: Non-Finnish European, 0.00017%; no homozygotes.

Submission:

GeneDx
Classification: Uncertain significance. Last evaluated: 2022-07-19. Review status: criteria provided, single submitter. Criteria: GeneDx Variant Classification Process June 2021. Collection method: clinical testing. Allele origin: germline. Affected: yes.
Comment: Not observed at significant frequency in large population cohorts (gnomAD); In silico analysis supports that this missense variant does not alter protein structure/function; Has not been previously published as pathogenic or benign to our knowledge

NM_133497.4(KCNV2):c.29C>A (p.Ser10Tyr)

Gene: KCNV2 (potassium voltage-gated channel modifier subfamily V member 2; plus strand). Cytogenetic location: 9p24.2.
Variant type: single nucleotide variant.
Coding change: c.29C>A on transcript NM_133497.4 (MANE Select); coding-DNA position 29, C replaced by A.
Protein change: p.Ser10Tyr; replaces serine 10 with tyrosine.
Molecular consequence: missense variant.
Genome position (GRCh38, 1-based): chr9:2,717,768, C>A. VCF-style: chr9-2717768-C-A. GRCh37 (hg19) VCF-style: chr9-2717768-C-A.
Other names: short protein forms S10Y.
Identifiers: ClinVar variation 2136040 (VCV002136040.1), dbSNP rs768154610, ClinGen allele CA372795366.